The following is an entry in ClinVar:

NM_000214.3(JAG1):c.390dup (p.Ser131fs)

Gene: JAG1 (jagged canonical Notch ligand 1; minus strand). Cytogenetic location: 20p12.2.
Variant type: Duplication.
Coding change: c.390dup on transcript NM_000214.3 (MANE Select); coding-DNA position 390, one base duplicated (G; older notation c.390dupG).
Protein change: p.Ser131fs; shifts the reading frame from serine 131.
Molecular consequence: frameshift variant.
Genome position (GRCh38, 1-based): chr20:10,664,012, C duplicated on the plus strand (G on the coding strand, the reverse complement: JAG1 is on the minus strand); the first of 2 consecutive C bases (chr20:10,664,012-10,664,013); duplicating either gives the same sequence. VCF-style (leftmost placement, unchanged base first): chr20-10664011-A-AC. GRCh37 (hg19) VCF-style: chr20-10644659-A-AC.
Other names: c.390dup, p.Ser131fs (LRG_1191t1); short protein forms S131fs.
Identifiers: ClinVar variation 289187 (VCV000289187.13), dbSNP rs886044111, ClinGen allele CA10606362.

ClinVar aggregate classification (germline): Pathogenic. Review status: criteria provided, multiple submitters, no conflicts (2 of 4 stars). 2 submissions from 2 submitters: Pathogenic (2). Last evaluated 2022-11-01.

Conditions:
Alagille syndrome due to a JAG1 point mutation. Also called: JAG1-Related Alagille Syndrome; Alagille Syndrome 1; HEPATIC DUCTULAR HYPOPLASIA, SYNDROMATIC. Identifiers: Orphanet 261619, Orphanet 52, MedGen C1956125, MONDO:0016862, OMIM 118450.

Submissions (2):

Labcorp Genetics (formerly Invitae), Labcorp
Classification: Pathogenic for Alagille syndrome due to a JAG1 point mutation. Last evaluated: 2022-11-01. Review status: criteria provided, single submitter. Criteria: Invitae Variant Classification Sherloc (09022015). Collection method: clinical testing. Allele origin: germline.
Comment: This variant has not been reported in the literature in individuals affected with JAG1-related conditions. This variant is not present in population databases (gnomAD no frequency). This sequence change creates a premature translational stop signal (p.Ser131Valfs*13) in the JAG1 gene. It is expected to result in an absent or disrupted protein product. Loss-of-function variants in JAG1 are known to be pathogenic (PMID: 11180599). For these reasons, this variant has been classified as Pathogenic. ClinVar contains an entry for this variant (Variation ID: 289187).

Eurofins Ntd Llc (ga)
Classification: Pathogenic. Last evaluated: 2016-06-30. Review status: criteria provided, single submitter. Criteria: EGL Classification Definitions. Collection method: clinical testing. Allele origin: germline. Observed: 1 variant allele, 1 heterozygote.

Literature cited by the submitters: PubMed 11180599 (cited by Labcorp Genetics (formerly Invitae), Labcorp).